The following is an entry in ClinVar:

ClinVar aggregate classification (germline): Uncertain significance (1 of 4 stars; one submission).

gnomAD v4.1: 3 of 1,583,746 alleles (0.00019%); highest among the groups gnomAD compares: Non-Finnish European, 0.00017%; no homozygotes.

Submission:

Labcorp Genetics (formerly Invitae), Labcorp
Classification: Uncertain significance. Last evaluated: 2024-02-14. Review status: criteria provided, single submitter. Criteria: Invitae Variant Classification Sherloc (09022015). Collection method: clinical testing. Allele origin: germline.
Comment: This sequence change falls in intron 4 of the SRCAP gene. It does not directly change the encoded amino acid sequence of the SRCAP protein. It affects a nucleotide within the consensus splice site. This variant is not present in population databases (gnomAD no frequency). This variant has been observed in individual(s) with clinical features of Floating-Harbor syndrome (PMID: 28454995). Variants that disrupt the consensus splice site are a relatively common cause of aberrant splicing (PMID: 17576681, 9536098). Algorithms developed to predict the effect of sequence changes on RNA splicing suggest that this variant may disrupt the consensus splice site. In summary, the available evidence is currently insufficient to determine the role of this variant in disease. Therefore, it has been classified as a Variant of Uncertain Significance.

Literature cited by the submitters: PubMed 28454995; PubMed 17576681; PubMed 9536098.

NM_006662.3(SRCAP):c.306+5G>A

Gene: SRCAP (Snf2 related CREBBP activator protein; plus strand). Cytogenetic location: 16p11.2.
Variant type: single nucleotide variant.
Coding change: c.306+5G>A on transcript NM_006662.3 (MANE Select); 5 bases into the intron after coding-DNA position 306, G replaced by A.
Molecular consequence: intron variant.
Genome position (GRCh38, 1-based): chr16:30,704,320, G>A. VCF-style: chr16-30704320-G-A. GRCh37 (hg19) VCF-style: chr16-30715641-G-A.
Identifiers: ClinVar variation 3722159 (VCV003722159.2).